The following is an entry in ClinVar:

ClinVar aggregate classification (germline): Uncertain significance. Review status: criteria provided, multiple submitters, no conflicts (2 of 4 stars). 2 submissions from 2 submitters: Uncertain significance (2). Last evaluated 2025-10-01.

Conditions:
Hereditary cancer-predisposing syndrome. Also called: Hereditary neoplastic syndrome; Tumor predisposition; Hereditary Cancer Syndrome; Neoplastic Syndromes, Hereditary. Identifiers: Orphanet 140162, MedGen C0027672, MeSH D009386, MONDO:0015356.
Rhabdoid tumor predisposition syndrome 2 (RTPS2). Identifiers: Orphanet 231108, Orphanet 69077, MedGen C2750074, MONDO:0013224, OMIM 613325.

gnomAD v4.1: 1 of 1,614,128 alleles (0.000062%); highest among the groups gnomAD compares: Non-Finnish European, 0.000085%; no homozygotes.

Submissions (2):

Labcorp Genetics (formerly Invitae), Labcorp
Classification: Uncertain significance for Rhabdoid tumor predisposition syndrome 2. Last evaluated: 2025-10-01. Review status: criteria provided, single submitter. Criteria: Invitae Variant Classification Sherloc (09022015). Collection method: clinical testing. Allele origin: germline.
Comment: This sequence change replaces aspartic acid, which is acidic and polar, with valine, which is neutral and non-polar, at codon 656 of the SMARCA4 protein (p.Asp656Val). This variant is not present in population databases (gnomAD no frequency). This variant has not been reported in the literature in individuals affected with SMARCA4-related conditions. ClinVar contains an entry for this variant (Variation ID: 3636858). Invitae Evidence Modeling of protein sequence and biophysical properties (such as structural, functional, and spatial information, amino acid conservation, physicochemical variation, residue mobility, and thermodynamic stability) has been performed for this missense variant. However, the output from this modeling did not meet the statistical confidence thresholds required to predict the impact of this variant on SMARCA4 protein function. In summary, the available evidence is currently insufficient to determine the role of this variant in disease. Therefore, it has been classified as a Variant of Uncertain Significance.

Ambry Genetics
Classification: Uncertain significance for Hereditary cancer-predisposing syndrome. Last evaluated: 2025-05-11. Review status: criteria provided, single submitter. Criteria: Ambry Variant Classification Scheme 2023. Collection method: clinical testing. Allele origin: germline.
Comment: The p.D656V variant (also known as c.1967A>T), located in coding exon 12 of the SMARCA4 gene, results from an A to T substitution at nucleotide position 1967. The aspartic acid at codon 656 is replaced by valine, an amino acid with highly dissimilar properties. This amino acid position is conserved. In addition, the in silico prediction for this alteration is inconclusive. Based on the available evidence, the clinical significance of this variant remains unclear.

NM_003072.5(SMARCA4):c.1967A>T (p.Asp656Val)

Gene: SMARCA4 (SWI/SNF related BAF chromatin remodeling complex subunit ATPase 4; plus strand). Cytogenetic location: 19p13.2.
Variant type: single nucleotide variant.
Coding change: c.1967A>T on transcript NM_003072.5 (MANE Select); coding-DNA position 1967, A replaced by T.
Protein change: p.Asp656Val; replaces aspartic acid 656 with valine.
Molecular consequence: missense variant. On other transcripts: non-coding transcript variant (1).
Genome position (GRCh38, 1-based): chr19:11,003,363, A>T. VCF-style: chr19-11003363-A-T. GRCh37 (hg19) VCF-style: chr19-11114039-A-T.
Other names: c.1967A>T, p.Asp656Val (NM_001128844.3, NM_001128845.2, NM_001128846.2 and 6 more transcripts); c.1967A>T (NM_001128849.1); short protein forms D656V.
Identifiers: ClinVar variation 3636858 (VCV003636858.3).
Genomic context (GRCh38, chr19:11,003,363, plus strand): 5'-GAGCAGATTTGTATGAAAGCCCTTACATTTTTTCTAGGTATGAAGTAGCTCCGAGGTCTG[A>T]TAGTGAAGAAAGTGGCTCAGAAGAAGAGGAAGAGGTAAGAGTGCATTTCCTGGCTTTCAA-3'
Protein context (NP_003063.2, residues 646-666): NPGYEVAPRS[Asp656Val]SEESGSEEEE